The following is an entry in ClinVar:

NM_032634.4(PIGO):c.2347T>C (p.Phe783Leu)

Gene: PIGO (phosphatidylinositol glycan anchor biosynthesis class O; minus strand). Cytogenetic location: 9p13.3.
Variant type: single nucleotide variant.
Coding change: c.2347T>C on transcript NM_032634.4 (MANE Select); coding-DNA position 2347, T replaced by C.
Protein change: p.Phe783Leu; replaces phenylalanine 783 with leucine.
Molecular consequence: missense variant. On other transcripts: intron variant (2).
Genome position (GRCh38, 1-based): chr9:35,091,540, A>G on the plus strand (T>C on the coding strand, the complement: PIGO is on the minus strand). VCF-style: chr9-35091540-A-G. GRCh37 (hg19) VCF-style: chr9-35091537-A-G.
Other names: c.1345-249T>C (NM_152850.4, NM_001201484.2); short protein forms F783L.
Identifiers: ClinVar variation 955048 (VCV000955048.7), dbSNP rs1314015092, ClinGen allele CA373320138.

ClinVar aggregate classification (germline): Uncertain significance (1 of 4 stars; one submission).

Conditions:
Hyperphosphatasia with impaired intellectual development syndrome 2. Also called: Hyperphosphatasia with intellectual disability syndrome 2; GLYCOSYLPHOSPHATIDYLINOSITOL BIOSYNTHESIS DEFECT 6. Identifiers: Orphanet 247262, MedGen C3553637, MONDO:0013882, OMIM 614749.

Allele frequency attached by ClinVar (database versions not stated): gnomAD 0.00001.
gnomAD v4.1: 1 of 1,614,028 alleles (0.000062%); highest among the groups gnomAD compares: African/African-American, 0.0013%; no homozygotes.

Submission:

Labcorp Genetics (formerly Invitae), Labcorp
Classification: Uncertain significance for Hyperphosphatasia with impaired intellectual development syndrome 2. Last evaluated: 2022-08-16. Review status: criteria provided, single submitter. Criteria: Invitae Variant Classification Sherloc (09022015). Collection method: clinical testing. Allele origin: germline.
Comment: This sequence change replaces phenylalanine, which is neutral and non-polar, with leucine, which is neutral and non-polar, at codon 783 of the PIGO protein (p.Phe783Leu). This variant is present in population databases (no rsID available, gnomAD 0.01%). This variant has not been reported in the literature in individuals affected with PIGO-related conditions. ClinVar contains an entry for this variant (Variation ID: 955048). Algorithms developed to predict the effect of missense changes on protein structure and function (SIFT, PolyPhen-2, Align-GVGD) all suggest that this variant is likely to be tolerated. In summary, the available evidence is currently insufficient to determine the role of this variant in disease. Therefore, it has been classified as a Variant of Uncertain Significance.